The following is an entry in ClinVar:

NM_000271.5(NPC1):c.1250_1253del (p.Lys417fs)

Gene: NPC1 (NPC intracellular cholesterol transporter 1; minus strand). Cytogenetic location: 18q11.2.
Variant type: Deletion.
Coding change: c.1250_1253del on transcript NM_000271.5 (MANE Select); coding-DNA positions 1250 to 1253, 4 bases deleted (AACA; older notation c.1250_1253delAACA).
Protein change: p.Lys417fs; shifts the reading frame from lysine 417.
Molecular consequence: frameshift variant.
Genome position (GRCh38, 1-based): chr18:23,556,316-23,556,319, TGTT deleted on the plus strand (AACA on the coding strand, the reverse complement: NPC1 is on the minus strand); deleting any 4 consecutive bases within chr18:23,556,316-23,556,322 gives the same sequence; the c. name uses the placement nearest the transcript's 3' end. VCF-style (leftmost placement, unchanged base first): chr18-23556315-GTGTT-G. GRCh37 (hg19) VCF-style: chr18-21136279-GTGTT-G.
Other names: short protein forms K417fs.
Identifiers: ClinVar variation 841247 (VCV000841247.7), dbSNP rs2058949697, ClinGen allele CA916083632.
Genomic context (GRCh38, chr18:23,556,315, plus strand): 5'-CTGTATGTCAAGCGGAGGTCCAAAGGGTACATCAGCTCCCGAAGGGTATGGCTGGTAAAT[GTGTT>G]TGTCAGTGAGAGGGGCCCGGATGATGAGCTGCTCCGTCCGGAAGAAAGGCCCAAAGTGCT-3'

ClinVar aggregate classification (germline): Pathogenic (1 of 4 stars; one submission).

Conditions:
Niemann-Pick disease, type C1. Also called: NEUROVISCERAL STORAGE DISEASE WITH VERTICAL SUPRANUCLEAR OPHTHALMOPLEGIA; NIEMANN-PICK DISEASE WITH CHOLESTEROL ESTERIFICATION BLOCK; NIEMANN-PICK DISEASE WITHOUT SPHINGOMYELINASE DEFICIENCY; NIEMANN-PICK DISEASE, CHRONIC NEURONOPATHIC FORM; NIEMANN-PICK DISEASE, VARIANT TYPE C1. Identifiers: Orphanet 646, MedGen C3179455, MONDO:0009757, OMIM 257220.

Submission:

Labcorp Genetics (formerly Invitae), Labcorp
Classification: Pathogenic for Niemann-Pick disease, type C1. Last evaluated: 2024-02-07. Review status: criteria provided, single submitter. Criteria: Invitae Variant Classification Sherloc (09022015). Collection method: clinical testing. Allele origin: germline.
Comment: This sequence change creates a premature translational stop signal (p.Lys417Thrfs*31) in the NPC1 gene. It is expected to result in an absent or disrupted protein product. Loss-of-function variants in NPC1 are known to be pathogenic (PMID: 9211850). This variant is not present in population databases (gnomAD no frequency). This variant has not been reported in the literature in individuals affected with NPC1-related conditions. ClinVar contains an entry for this variant (Variation ID: 841247). For these reasons, this variant has been classified as Pathogenic.

Literature cited by the submitters: PubMed 9211850.